The following is an entry in ClinVar:

NM_001256071.3(RNF213):c.14429G>A (p.Arg4810Lys)

Genes: RNF213 (ring finger protein 213; plus strand), RNF213-AS1 (RNF213 antisense RNA 1; minus strand). Cytogenetic location: 17q25.3.
Variant type: single nucleotide variant.
Coding change: c.14429G>A on transcript NM_001256071.3 (MANE Select); coding-DNA position 14429, G replaced by A.
Protein change: p.Arg4810Lys; replaces arginine 4810 with lysine.
Molecular consequence: missense variant.
Genome position (GRCh38, 1-based): chr17:80,385,145, G>A. VCF-style: chr17-80385145-G-A. GRCh37 (hg19) VCF-style: chr17-78358945-G-A.
Other names: R4859K; NM_020914.4:c.14576G>A; p.Arg4810Lys; short protein forms R4810K.
Identifiers: ClinVar variation 39700 (VCV000039700.74), dbSNP rs112735431, ClinGen allele CA130463.

ClinVar aggregate classification (germline): Conflicting classifications of pathogenicity. Review status: criteria provided, conflicting classifications (1 of 4 stars). 18 submissions from 18 submitters: Pathogenic (12); Likely pathogenic (2); Uncertain significance (2). 2 of the submissions do not count toward it. Last evaluated 2026-06-15.

Conditions:
RNF213-related disorder. Also called: RNF213-related condition.
Inborn genetic diseases. Identifiers: MedGen C0950123, MeSH D030342.
Moyamoya disease 2 (MYMY2). Also called: MOYAMOYA DISEASE 2, SUSCEPTIBILITY TO. Identifiers: Orphanet 2573, MedGen C1846689, MONDO:0011784, OMIM 607151.

Allele frequency attached by ClinVar (database versions not stated): 1000 Genomes Project 30x 0.00109; TOPMed 0.00006; gnomAD 0.00030 and 0.00004; 1000 Genomes Project 0.00120.
gnomAD v4.1: 392 of 1,614,200 alleles (0.024%); highest among the groups gnomAD compares: East Asian, 0.54%; 2 homozygotes.

Submissions 1 to 7 of 18:

PreventionGenetics, part of Exact Sciences
Classification: Pathogenic for RNF213-related condition. Last evaluated: 2026-06-15. Review status: criteria provided, single submitter. Criteria: ACMG Guidelines, 2015. Collection method: clinical testing. Allele origin: germline.
Comment: The RNF213 c.14429G>A variant is predicted to result in the amino acid substitution p.Arg4810Lys. This variant, also described as c.14576G>A (p.Arg4859Lys) in the literature, was initially identified in genome wide association studies as having a significant association with moyamoya disease in Japanese individuals (Kamada et al. 2011. PubMed ID: 21048783; Liu et al. 2011. PubMed ID: 21799892). A meta-analysis revealed an odds ratio of 85.9 when combining all association studies available (Liao et al. 2017. PubMed ID: 29165161). This variant is reported to be inherited in an autosomal dominant manner with variable penetrance and phenotype variability, and the variant segregates with disease (Cecchi et al. 2014. PubMed ID: 25278557; Harel et al. 2015. PubMed ID: 26198278). Homozygotes of this variant have been shown to develop earlier-onset as well as extracranial findings, suggesting gene dosage as a strong association to clinical phenotype (Miyatake et al. 2012. PubMed ID: 22377813; Miyatake et al. 2012. PubMed ID: 22931863). This variant is reported in 0.27%of alleles in individuals of East Asian descent in gnomAD, including 1 homozygote. Functional studies show this variant results in a gain of function and overexpression which decreases angiogenic activities and decreases global ubiquitylation (Koizumi et al. 2015. PubMed ID: 26662949; Bhardwaj et al. 2022. PubMed ID: 35135845). A mouse model with this variant resulted in increased ventricular pressure compared to controls (Kobayashi et al. 2015. PubMed ID: 26126547). This variant has interpretations of pathogenicity in ClinVar ranging from uncertain to pathogenic (Variation ID: 39700). Taken together, this variant is interpreted as pathogenic.

Labcorp Genetics (formerly Invitae), Labcorp
Classification: Pathogenic. Last evaluated: 2026-01-25. Review status: criteria provided, single submitter. Criteria: Invitae Variant Classification Sherloc (09022015). Collection method: clinical testing. Allele origin: germline.
Comment: This sequence change replaces arginine, which is basic and polar, with lysine, which is basic and polar, at codon 4810 of the RNF213 protein (p.Arg4810Lys). This variant is present in population databases (rs112735431, gnomAD 0.3%), including at least one homozygous and/or hemizygous individual. This missense change has been observed in individuals with autosomal dominant and recessive Moyamoya disease (PMID: 21048783, 21799892, 22377813, 22931863, 23110205). It is commonly reported in individuals of East Asian ancestry (PMID: 21799892, 26530418). ClinVar contains an entry for this variant (Variation ID: 39700). Invitae Evidence Modeling of protein sequence and biophysical properties (such as structural, functional, and spatial information, amino acid conservation, physicochemical variation, residue mobility, and thermodynamic stability) indicates that this missense variant is not expected to disrupt RNF213 protein function with a negative predictive value of 95%. Experimental studies are conflicting or provide insufficient evidence to determine the effect of this variant on RNF213 function (PMID: 21799892, 26126547). For these reasons, this variant has been classified as Pathogenic.

Victorian Clinical Genetics Services, Murdoch Childrens Research Institute
Classification: Pathogenic for Moyamoya disease 2. Last evaluated: 2026-01-15. Review status: criteria provided, single submitter. Criteria: ACMG Guidelines, 2015. Collection method: clinical testing. Allele origin: germline. Affected: yes.
Comment: This variant is classified as Pathogenic. Evidence in support of pathogenic classification: Variant is present in gnomAD <0.01 (v4: 388 heterozygotes, 2 homozygotes); This variant has strong previous evidence of pathogenicity in unrelated individuals. This variant has been classified primarily as pathogenic by clinical laboratories in ClinVar, in addition to single submitted classifications of likely pathogenic, and VUS. It has been well-reported as an east Asian founder variant associated with moyamoya disease, however its penetrance is low (1 in 150) (PMIDs: 35605621, 35401401). It has been reported as heterozygous in many individuals with moyamoya disease, as homozygous in affected individuals with earlier ages of onset, and also as heterozygous in unaffected individuals (PMIDs: 35876407, 22377813). Evidence in support of benign classification: Missense variant predicted to be tolerated by in silico tool(s) or not conserved in placental mammals with a minor amino acid change. Additional information: Variant is predicted to result in a missense amino acid change from Arg to Lys; This variant is heterozygous; This gene is associated with both recessive and dominant susceptibility to moyamoya disease 2 (MIM#607151), where recessive inheritance has earlier onset of symptoms (PMID: 26198278); Alternative amino acid change(s) at the same position are present in gnomAD (highest allele count: v4: 36 heterozygote(s), 0 homozygote(s)); Functional evidence for this variant is inconclusive. Functional studies using HeLa cells with this variant had wild type level of ATPase activity and retained oligomerisation activity, however they had a reduced autoubiquitylation activity (PMID: 35135845). Another study of the mouse isoform showed this variant did not affect poly-ubiquitination activity (PMID: 32573437); Variant is not located in an established domain, motif, hotspot or informative constraint region; The mechanism of disease for this gene is not clearly established. Gain of function, loss of function and dominant negative have been postulated (PMID: 26662949, 35135845, 37399508); The condition associated with this gene has incomplete penetrance. Low penetrance is well reported for the p.(Arg4810Lys) variant in this gene (PMID: 35605621).

Mayo Clinic Laboratories, Mayo Clinic
Classification: Pathogenic. Last evaluated: 2025-10-28. Review status: criteria provided, single submitter. Criteria: ACMG Guidelines, 2015. Collection method: clinical testing. Allele origin: germline. Observed: 2 variant alleles.
Comment: BP4, PS3_supporting, PS4

3billion
Classification: Pathogenic for Moyamoya disease 2. Last evaluated: 2025-08-05. Review status: criteria provided, single submitter. Criteria: ACMG Guidelines, 2015. Collection method: clinical testing. Allele origin: germline. Affected: yes.
Comment: The variant is observed at an extremely low frequency in the gnomAD v4.1.0 dataset (total allele frequency: 0.024%). Predicted Consequence/Location: Missense variant. Missense changes are a common disease-causing mechanism. In silico tool predictions suggest no damaging effect of the variant on gene or gene product [REVEL: 0.07 (<0.4); 3Cnet: 0.02 (<0.1, specificity 0.84 and negative predicitive value 0.97)]. The same nucleotide change resulting in the same amino acid change has been previously reported as pathogenic/likely pathogenic with strong evidence (ClinVar ID: VCV000039700 /PMID: 21048783, 26590131 /3billion dataset). The variant has been observed in multiple (>3) similarly affected unrelated individuals (PMID: 26590131, 39958261). Therefore, this variant is classified as Pathogenic (PS1_S, PS4_S, PM2_M, PP2_P, BP4_P) according to the recommendation of ACMG/AMP guideline.

Variantyx, Inc.
Classification: Pathogenic for Moyamoya disease 2. Last evaluated: 2025-07-03. Review status: criteria provided, single submitter. Criteria: Variantyx Assertion Criteria 2022. Collection method: clinical testing. Allele origin: germline. Inheritance: Autosomal dominant inheritance. Affected: yes.
Comment: This is a nonsynonymous variant in the RNF213 gene (OMIM: 613768). Pathogenic variants in this gene have been associated with autosomal dominant or autosomal recessive susceptibility to moyamoya disease 2. The frequency of this variant in affected individuals is significantly increased compared to controls (PMID: 22688066, 22377813, 21799892) (PS4), and it has been observed to segregate with disease in many individuals from different families (PMID: 21799892) (PP1). Multiple computational algorithms predict no functional impact for this variant (REVEL score: 0.071) (BP4_Moderate), and functional studies have shown conflicting evidence regarding the effect of this variant on protein function (PMID: 23994138, 23850618, 26126547, 26315378, 21799892). This variant has a 0.5392% maximum allele frequency in non-founder control populations. Based on the current evidence, this variant is classified as pathogenic with reduced penetrance for autosomal dominant or autosomal recessive susceptibility to moyamoya disease 2.

Foundation for Research in Genetics and Endocrinology, FRIGE's Institute of Human Genetics
Classification: Uncertain significance for Moyamoya disease 2. Last evaluated: 2024-10-26. Review status: criteria provided, single submitter. Criteria: ACMG Guidelines, 2015. Collection method: clinical testing. Allele origin: germline. Inheritance: Autosomal recessive inheritance. Affected: yes. Observed: 1 heterozygote.
Comment: Heterozygous missense variation in exon 61 of the RNF213 gene that result in the amino acid substitution of lysine for arginine at codon 4859 was detected. The observed variant has previously been reported in patient affected with Moyamoya disease and it lies in the glycosyl hydrolase family 20, catalytic domain of RNF213 protein. The p.Arg4859Lys variant has minor allele frequency of 0.1% and 0.02% in the 1000 genome and gnomAD database. In summary, the variant meets our criteria to be classified as variant of uncertain significance.